The following is an entry in ClinVar:

NM_014140.4(SMARCAL1):c.641dup (p.Thr215fs)

Gene: SMARCAL1 (SNF2 related chromatin remodeling annealing helicase 1; plus strand). Cytogenetic location: 2q35.
Variant type: Duplication.
Coding change: c.641dup on transcript NM_014140.4 (MANE Select); coding-DNA position 641, one base duplicated (T; older notation c.641dupT).
Protein change: p.Thr215fs; shifts the reading frame from threonine 215.
Molecular consequence: frameshift variant.
Genome position (GRCh38, 1-based): chr2:216,415,345, T duplicated. VCF-style (leftmost placement, unchanged base first): chr2-216415344-G-GT. GRCh37 (hg19) VCF-style: chr2-217280067-G-GT.
Other names: c.641dup, p.Thr215fs (NM_001127207.2); c.641dupT (NM_014140.3); short protein forms T215fs.
Identifiers: ClinVar variation 1074171 (VCV001074171.10), dbSNP rs2106015104, ClinGen allele CA2499215642.

ClinVar aggregate classification (germline): Pathogenic/Likely pathogenic. Review status: criteria provided, multiple submitters, no conflicts (2 of 4 stars). 3 submissions from 3 submitters: Pathogenic (1); Likely pathogenic (2). Last evaluated 2024-04-01.

Conditions:
Schimke immuno-osseous dysplasia (SIOD). Also called: Schimke Immunoosseous Dysplasia. Identifiers: Orphanet 1830, MedGen C0877024, MONDO:0009458, OMIM 242900.

Submissions (3):

Natera, Inc.
Classification: Likely pathogenic for Schimke immuno-osseous dysplasia. Last evaluated: 2024-04-01. Review status: criteria provided, single submitter. Criteria: Natera Variant Classification Schema (03/2026). Collection method: clinical testing. Allele origin: germline.
Comment: The c.641dupT variant in SMARCAL1 is a frameshift variant predicted to shift the reading frame beginning at codon 215 and leads to a stop codon 49 codons downstream. This variant is expected to result in nonsense mediated decay, truncation, or a dysfunctional protein product. This variant is rare in the general population with a frequency below the threshold expected for the associated phenotype(s). Given the available evidence, this variant is classified as Likely Pathogenic.

Labcorp Genetics (formerly Invitae), Labcorp
Classification: Pathogenic for Schimke immuno-osseous dysplasia. Last evaluated: 2023-08-14. Review status: criteria provided, single submitter. Criteria: Invitae Variant Classification Sherloc (09022015). Collection method: clinical testing. Allele origin: germline.
Comment: This variant has not been reported in the literature in individuals affected with SMARCAL1-related conditions. This sequence change creates a premature translational stop signal (p.Thr215Asnfs*49) in the SMARCAL1 gene. It is expected to result in an absent or disrupted protein product. Loss-of-function variants in SMARCAL1 are known to be pathogenic (PMID: 11799392, 20301550). This variant is not present in population databases (gnomAD no frequency). ClinVar contains an entry for this variant (Variation ID: 1074171). For these reasons, this variant has been classified as Pathogenic.

Juno Genomics, Hangzhou Juno Genomics, Inc
Classification: Likely pathogenic for Schimke immuno-osseous dysplasia. Review status: criteria provided, single submitter. Criteria: ACMG Guidelines, 2015. Collection method: clinical testing. Allele origin: germline.
Comment: Absent from controls (or at extremely low frequency if recessive) in Genome Aggregation Database.;Null variant in a gene where loss of function (LOF) is a known mechanism of disease.

Literature cited by the submitters: PubMed 11799392 (cited by Labcorp Genetics (formerly Invitae), Labcorp); PubMed 20301550 (cited by Labcorp Genetics (formerly Invitae), Labcorp).